The following is an entry in ClinVar:

NM_000540.3(RYR1):c.7732A>T (p.Met2578Leu)

Gene: RYR1 (ryanodine receptor 1; plus strand). Cytogenetic location: 19q13.2.
Variant type: single nucleotide variant.
Coding change: c.7732A>T on transcript NM_000540.3 (MANE Select); coding-DNA position 7732, A replaced by T.
Protein change: p.Met2578Leu; replaces methionine 2578 with leucine.
Molecular consequence: missense variant.
Genome position (GRCh38, 1-based): chr19:38,502,624, A>T. VCF-style: chr19-38502624-A-T. GRCh37 (hg19) VCF-style: chr19-38993264-A-T.
Other names: c.7732A>T, p.Met2578Leu (NM_001042723.2); short protein forms M2578L.
Identifiers: ClinVar variation 2889039 (VCV002889039.5), dbSNP rs986827877, ClinGen allele CA405671836.

ClinVar aggregate classification (germline): Uncertain significance. Review status: criteria provided, multiple submitters, no conflicts (2 of 4 stars). 3 submissions from 3 submitters: Uncertain significance (3). Last evaluated 2026-06-03.

Conditions:
RYR1-related disorder. Also called: RYR1-related disorders; RYR1-related condition. Identifiers: MedGen CN239331.
Inborn genetic diseases. Identifiers: MedGen C0950123, MeSH D030342.
Malignant hyperthermia, susceptibility to, 1 (MHS1). Also called: Malignant hyperthermia suceptibility 1; Anesthesia related hyperthermia; Malignant hyperpyrexia; Fulminating hyperpyrexia; Pharmacogenic myopathy; RYR1-Related Malignant Hyperthermia Susceptibility. Identifiers: Orphanet 423, MedGen C2930980, MONDO:0007783, OMIM 145600.

Allele frequency attached by ClinVar (database versions not stated): TOPMed below 0.00001; gnomAD 0.00001.
gnomAD v4.1: 1 of 1,612,574 alleles (0.000062%); highest among the groups gnomAD compares: African/African-American, 0.0013%; no homozygotes.

Submissions (3):

Ambry Genetics
Classification: Uncertain significance for Inborn genetic diseases. Last evaluated: 2026-06-03. Review status: criteria provided, single submitter. Criteria: Ambry Variant Classification Scheme 2023. Collection method: clinical testing. Allele origin: germline.

Color Diagnostics, LLC DBA Color Health
Classification: Uncertain significance for Malignant hyperthermia, susceptibility to, 1. Last evaluated: 2025-09-01. Review status: criteria provided, single submitter. Criteria: ACMG Guidelines, 2015. Collection method: clinical testing. Allele origin: germline.
Comment: This missense variant replaces methionine with leucine at codon 2578 of the RYR1 protein. Computational prediction suggests that this variant may not impact protein structure and function. To our knowledge, functional studies have not been reported for this variant. This variant has not been reported in individuals affected with RYR1-related disorders in the literature. This variant has not been identified in the general population by the Genome Aggregation Database (gnomAD). The available evidence is insufficient to determine the role of this variant in disease conclusively. Therefore, this variant is classified as a Variant of Uncertain Significance.

Labcorp Genetics (formerly Invitae), Labcorp
Classification: Uncertain significance for RYR1-related disorder. Last evaluated: 2024-04-03. Review status: criteria provided, single submitter. Criteria: Invitae Variant Classification Sherloc (09022015). Collection method: clinical testing. Allele origin: germline.
Comment: This sequence change replaces methionine, which is neutral and non-polar, with leucine, which is neutral and non-polar, at codon 2578 of the RYR1 protein (p.Met2578Leu). This variant is not present in population databases (gnomAD no frequency). This variant has not been reported in the literature in individuals affected with RYR1-related conditions. Advanced modeling of protein sequence and biophysical properties (such as structural, functional, and spatial information, amino acid conservation, physicochemical variation, residue mobility, and thermodynamic stability) performed at Invitae indicates that this missense variant is not expected to disrupt RYR1 protein function with a negative predictive value of 95%. In summary, the available evidence is currently insufficient to determine the role of this variant in disease. Therefore, it has been classified as a Variant of Uncertain Significance.